The following is an entry in ClinVar:

ClinVar aggregate classification (germline): Uncertain significance (1 of 4 stars; one submission).

Conditions:
Renal cell carcinoma. Identifiers: Orphanet 217071, MedGen C0007134, MeSH D002292, MONDO:0005086, HP:0005584.

Submission:

Labcorp Genetics (formerly Invitae), Labcorp
Classification: Uncertain significance for Renal cell carcinoma. Last evaluated: 2022-08-14. Review status: criteria provided, single submitter. Criteria: Invitae Variant Classification Sherloc (09022015). Collection method: clinical testing. Allele origin: germline.
Comment: This sequence change replaces alanine, which is neutral and non-polar, with threonine, which is neutral and polar, at codon 932 of the MET protein (p.Ala932Thr). In summary, the available evidence is currently insufficient to determine the role of this variant in disease. Therefore, it has been classified as a Variant of Uncertain Significance. Algorithms developed to predict the effect of missense changes on protein structure and function are either unavailable or do not agree on the potential impact of this missense change (SIFT: "Deleterious"; PolyPhen-2: "Possibly Damaging"; Align-GVGD: "Class C0"). This variant has not been reported in the literature in individuals affected with MET-related conditions. This variant is not present in population databases (gnomAD no frequency).

NM_000245.4(MET):c.2740G>A (p.Ala914Thr)

Gene: MET (MET proto-oncogene, receptor tyrosine kinase; plus strand). Cytogenetic location: 7q31.2.
Variant type: single nucleotide variant.
Coding change: c.2740G>A on transcript NM_000245.4 (MANE Select); coding-DNA position 2740, G replaced by A.
Protein change: p.Ala914Thr; replaces alanine 914 with threonine.
Molecular consequence: missense variant.
Genome position (GRCh38, 1-based): chr7:116,771,507, G>A. VCF-style: chr7-116771507-G-A. GRCh37 (hg19) VCF-style: chr7-116411561-G-A.
Other names: c.2794G>A, p.Ala932Thr (NM_001127500.3); c.1450G>A, p.Ala484Thr (NM_001324402.2); short protein forms A484T, A914T, A932T.
Identifiers: ClinVar variation 1716436 (VCV001716436.5), dbSNP rs2116991382, ClinGen allele CA368986238.
Genomic context (GRCh38, chr7:116,771,507, plus strand): 5'-CAAATATCTATCATGGCTAAATGCTGACTTTTCTTTATTTGTCATTTTTAGTGGAAGCAA[G>A]CAATTTCTTCAACCGTCCTTGGAAAAGTAATAGTTCAACCAGATCAGAATTTCACAGGAT-3'
Protein context (NP_000236.2, residues 904-924): NSELNIEWKQ[Ala914Thr]ISSTVLGKVI